The following is an entry in ClinVar:

ClinVar aggregate classification (germline): Likely benign. Review status: criteria provided, multiple submitters, no conflicts (2 of 4 stars). 5 submissions from 5 submitters: Likely benign (5). Last evaluated 2025-07-31.

Conditions:
Familial thoracic aortic aneurysm and aortic dissection (TAAD). Also called: Thoracic aortic aneurysms and dissections. Identifiers: Orphanet 91387, MedGen C4707243, MONDO:0019625.

Allele frequency attached by ClinVar (database versions not stated): gnomAD exomes 0.00001 and 0.00002; ExAC 0.00003; gnomAD 0.00005; TOPMed 0.00006.
gnomAD v4.1: 32 of 1,613,890 alleles (0.002%); highest among the groups gnomAD compares: Middle Eastern, 0.034%; no homozygotes.

Submissions (5):

Mayo Clinic Laboratories, Mayo Clinic
Classification: Likely benign. Last evaluated: 2025-07-31. Review status: criteria provided, single submitter. Criteria: ACMG Guidelines, 2015. Collection method: clinical testing. Allele origin: germline. Observed: 1 variant allele.
Comment: BP4, BP7

Labcorp Genetics (formerly Invitae), Labcorp
Classification: Likely benign for Familial thoracic aortic aneurysm and aortic dissection. Last evaluated: 2024-07-19. Review status: criteria provided, single submitter. Criteria: Invitae Variant Classification Sherloc (09022015). Collection method: clinical testing. Allele origin: germline.

CeGaT Center for Human Genetics Tuebingen
Classification: Likely benign. Last evaluated: 2024-05-01. Review status: criteria provided, single submitter. Criteria: CeGaT Center For Human Genetics Tuebingen Variant Classification Criteria Version 2. Collection method: clinical testing. Allele origin: germline. Affected: yes. Observed: 2 variant alleles.
Comment: SMAD3: BP4

Ambry Genetics
Classification: Likely benign for Familial thoracic aortic aneurysm and aortic dissection. Last evaluated: 2023-07-19. Review status: criteria provided, single submitter. Criteria: Ambry Variant Classification Scheme 2023. Collection method: clinical testing. Allele origin: germline.

Color Diagnostics, LLC DBA Color Health
Classification: Likely benign for Familial thoracic aortic aneurysm and aortic dissection. Last evaluated: 2018-12-03. Review status: criteria provided, single submitter. Criteria: ACMG Guidelines, 2015. Collection method: clinical testing. Allele origin: germline.

NM_005902.4(SMAD3):c.872-4G>A

Gene: SMAD3 (SMAD family member 3; plus strand). Cytogenetic location: 15q22.33.
Variant type: single nucleotide variant.
Coding change: c.872-4G>A on transcript NM_005902.4 (MANE Select); 4 bases into the intron before coding-DNA position 872, G replaced by A.
Molecular consequence: intron variant.
Genome position (GRCh38, 1-based): chr15:67,184,723, G>A. VCF-style: chr15-67184723-G-A. GRCh37 (hg19) VCF-style: chr15-67477061-G-A.
Other names: p.?; c.557-4G>A (NM_001145102.2); c.740-4G>A (NM_001145103.2); c.287-4G>A (NM_001145104.2).
Identifiers: ClinVar variation 444346 (VCV000444346.60), dbSNP rs776577220, ClinGen allele CA062810.